The following is an entry in ClinVar:

NM_018986.5(SH3TC1):c.2025C>T (p.His675=)

Gene: SH3TC1 (SH3 domain and tetratricopeptide repeats 1; plus strand). Cytogenetic location: 4p16.1.
Variant type: single nucleotide variant.
Coding change: c.2025C>T on transcript NM_018986.5 (MANE Select); coding-DNA position 2025, C replaced by T.
Protein change: p.His675=; no amino-acid change (histidine 675 retained).
Molecular consequence: synonymous variant. On other transcripts: non-coding transcript variant (1).
Genome position (GRCh38, 1-based): chr4:8,227,719, C>T. VCF-style: chr4-8227719-C-T. GRCh37 (hg19) VCF-style: chr4-8229446-C-T.
Other names: c.1797C>T, p.His599= (NM_001318480.2); c.1944C>T, p.His648= (NM_001410712.1).
Identifiers: ClinVar variation 2654647 (VCV002654647.24), dbSNP rs200155873, ClinGen allele CA2849450.

ClinVar aggregate classification (germline): Likely benign (1 of 4 stars; one submission).

Allele frequency attached by ClinVar (database versions not stated): gnomAD 0.00010; ExAC 0.00027; 1000 Genomes Project 30x 0.00062; 1000 Genomes Project 0.00080.
gnomAD v4.1: 173 of 1,583,296 alleles (0.011%); highest among the groups gnomAD compares: East Asian, 0.23%; 1 homozygote.

Submission:

CeGaT Center for Human Genetics Tuebingen
Classification: Likely benign. Last evaluated: 2022-12-01. Review status: criteria provided, single submitter. Criteria: CeGaT Center For Human Genetics Tuebingen Variant Classification Criteria Version 2. Collection method: clinical testing. Allele origin: germline. Affected: yes. Observed: 1 variant allele.
Comment: SH3TC1: BP4, BP7